The following is an entry in ClinVar:

ClinVar aggregate classification (germline): Likely benign. Review status: criteria provided, single submitter (1 of 4 stars). 2 submissions from 2 submitters: Likely benign (1). 1 of the submissions does not count toward it. Last evaluated 2025-08-06.

Conditions:
MPDZ-related disorder. Also called: MPDZ-related condition.

Allele frequency attached by ClinVar (database versions not stated): gnomAD exomes 0.00003 and 0.00006; TOPMed 0.00004; ExAC 0.00005; gnomAD 0.00005 and 0.00006; ESP Exome Variant Server 0.00008.
gnomAD v4.1: 92 of 1,606,554 alleles (0.0057%); highest among the groups gnomAD compares: East Asian, 0.052%; 1 homozygote.

Submissions (2):

Labcorp Genetics (formerly Invitae), Labcorp
Classification: Likely benign. Last evaluated: 2025-08-06. Review status: criteria provided, single submitter. Criteria: Invitae Variant Classification Sherloc (09022015). Collection method: clinical testing. Allele origin: germline.

PreventionGenetics, part of Exact Sciences
Classification: Likely benign for MPDZ-related condition. Last evaluated: 2019-03-11. Review status: no assertion criteria provided. Collection method: clinical testing. Allele origin: germline. Not counted in ClinVar's aggregate classification.
Comment: This variant is classified as likely benign based on ACMG/AMP sequence variant interpretation guidelines (Richards et al. 2015 PMID: 25741868, with internal and published modifications).

NM_001378778.1(MPDZ):c.2709A>G (p.Leu903=)

Gene: MPDZ (multiple PDZ domain crumbs cell polarity complex component; minus strand). Cytogenetic location: 9p23.
Variant type: single nucleotide variant.
Coding change: c.2709A>G on transcript NM_001378778.1 (MANE Select); coding-DNA position 2709, A replaced by G.
Protein change: p.Leu903=; no amino-acid change (leucine 903 retained).
Molecular consequence: synonymous variant.
Genome position (GRCh38, 1-based): chr9:13,176,358, T>C on the plus strand (A>G on the coding strand, the complement: MPDZ is on the minus strand). VCF-style: chr9-13176358-T-C. GRCh37 (hg19) VCF-style: chr9-13176357-T-C.
Other names: c.2709A>G (NM_003829.4); c.2709A>G, p.Leu903= (NM_001261406.2, NM_001261407.2, NM_001330637.2 and 14 more transcripts).
Identifiers: ClinVar variation 1625652 (VCV001625652.10), dbSNP rs377459153, ClinGen allele CA4987375.